The following is an entry in ClinVar:

NM_005609.4(PYGM):c.2306A>C (p.His769Pro)

Gene: PYGM (glycogen phosphorylase, muscle associated; minus strand). Cytogenetic location: 11q13.1.
Variant type: single nucleotide variant.
Coding change: c.2306A>C on transcript NM_005609.4 (MANE Select); coding-DNA position 2306, A replaced by C.
Protein change: p.His769Pro; replaces histidine 769 with proline.
Molecular consequence: missense variant.
Genome position (GRCh38, 1-based): chr11:64,747,230, T>G on the plus strand (A>C on the coding strand, the complement: PYGM is on the minus strand). VCF-style: chr11-64747230-T-G. GRCh37 (hg19) VCF-style: chr11-64514702-T-G.
Other names: c.2042A>C, p.His681Pro (NM_001164716.1); short protein forms H769P, H681P.
Identifiers: ClinVar variation 2075803 (VCV002075803.1), dbSNP rs771421657, ClinGen allele CA6079573.

ClinVar aggregate classification (germline): Uncertain significance (1 of 4 stars; one submission).

Conditions:
Glycogen storage disease, type V (GSD5). Also called: McArdle type glycogen storage disease; MCARDLE DISEASE; MUSCLE GLYCOGEN PHOSPHORYLASE DEFICIENCY; MYOPHOSPHORYLASE DEFICIENCY; PYGM DEFICIENCY. Identifiers: Orphanet 368, MedGen C0017924, MONDO:0009293, OMIM 232600.

Allele frequency attached by ClinVar (database versions not stated): gnomAD 0.00001.
gnomAD v4.1: 31 of 1,613,998 alleles (0.0019%); highest among the groups gnomAD compares: Non-Finnish European, 0.0025%; no homozygotes.

Submission:

Labcorp Genetics (formerly Invitae), Labcorp
Classification: Uncertain significance for Glycogen storage disease, type V. Last evaluated: 2022-07-26. Review status: criteria provided, single submitter. Criteria: Invitae Variant Classification Sherloc (09022015). Collection method: clinical testing. Allele origin: germline.
Comment: This sequence change replaces histidine, which is basic and polar, with proline, which is neutral and non-polar, at codon 769 of the PYGM protein (p.His769Pro). This variant is present in population databases (rs771421657, gnomAD 0.002%). This variant has not been reported in the literature in individuals affected with PYGM-related conditions. Algorithms developed to predict the effect of missense changes on protein structure and function are either unavailable or do not agree on the potential impact of this missense change (SIFT: "Not Available"; PolyPhen-2: "Possibly Damaging"; Align-GVGD: "Not Available"). In summary, the available evidence is currently insufficient to determine the role of this variant in disease. Therefore, it has been classified as a Variant of Uncertain Significance.